The following continues an entry in ClinVar:

NM_001165963.4(SCN1A):c.664C>T (p.Arg222Ter)

Gene: SCN1A. ClinVar aggregate classification (germline): Pathogenic/Likely pathogenic. Pathogenic (15); Likely pathogenic (1).

Submissions 15 to 18 of 18:

Eurofins Ntd Llc (ga)
Classification: Pathogenic. Last evaluated: 2016-05-03. Review status: criteria provided, single submitter. Criteria: EGL Classification Definitions 2015. Collection method: clinical testing. Allele origin: germline. Observed: 1 variant allele, 1 heterozygote.

Center for Bioinformatics, Peking University
Classification: Pathogenic for Dravet syndrome. Last evaluated: 2014-12-20. Review status: criteria provided, single submitter. Criteria: Xu et al. (Hum Mutat. 2015). Collection method: research. Allele origin: de novo. Affected: yes. Observed: 3 variant alleles. Study: University Clinical Cooperation “985 Project” PKU-2014-1-1.
Comment: Dravet syndrome (DS) probands were recruited from the outpatient and inpatient child neurology units of Peking University First Hospital from 2005 till present. The study was approved by the Ethics Committee of Peking University First Hospital and the Institutional Review Board at Peking University. Participants or their parents provided written informed consent before enrollment. We collected a total of 267 mutations from 255 families with probands diagnosed with DS in China. All probands fulfilled the clinical diagnostic criteria.

Clinical Molecular Genetics Laboratory, Johns Hopkins All Children's Hospital
Classification: Pathogenic for Severe myoclonic epilepsy in infancy. Last evaluated: 2016-12-21. Review status: no assertion criteria provided. Collection method: clinical testing. Allele origin: germline. Affected: yes. Not counted in ClinVar's aggregate classification.

OMIM
Classification: Pathogenic for DRAVET SYNDROME. Last evaluated: 2001-06-01. Review status: no assertion criteria provided. Collection method: literature only. Allele origin: germline. Not counted in ClinVar's aggregate classification.

Literature cited by the submitters: PubMed 11359211 (cited by 6 submitters); PubMed 17347258 (cited by Labcorp Genetics (formerly Invitae), Labcorp); PubMed 18930999 (cited by Labcorp Genetics (formerly Invitae), Labcorp and Athena Diagnostics); PubMed 23195492 (cited by Labcorp Genetics (formerly Invitae), Labcorp); PubMed 29100083 (cited by Labcorp Genetics (formerly Invitae), Labcorp); PubMed 33278787 (cited by Athena Diagnostics); PubMed 19522081 (cited by Athena Diagnostics and Women's Health and Genetics/Laboratory Corporation of America, LabCorp); PubMed 31780880 (cited by Athena Diagnostics); PubMed 30321769 (cited by Athena Diagnostics); PubMed 36158059 (cited by Athena Diagnostics); PubMed 22150645 (cited by Athena Diagnostics and Women's Health and Genetics/Laboratory Corporation of America, LabCorp); PubMed 16458823 (cited by Athena Diagnostics); PubMed 12821740 (cited by Athena Diagnostics and Women's Health and Genetics/Laboratory Corporation of America, LabCorp); PubMed 22612257 (cited by Athena Diagnostics and Women's Health and Genetics/Laboratory Corporation of America, LabCorp); PubMed 24168886 (cited by Athena Diagnostics and Women's Health and Genetics/Laboratory Corporation of America, LabCorp); PubMed 14738421 (cited by Athena Diagnostics and Women's Health and Genetics/Laboratory Corporation of America, LabCorp); PubMed 17054684 (cited by Athena Diagnostics); DOI 10.1055/s-0044-1786365 (cited by Unidad de Genómica Garrahan, Hospital de Pediatría Garrahan); PubMed 20879882 (cited by Women's Health and Genetics/Laboratory Corporation of America, LabCorp).